The following is an entry in ClinVar:

NM_025137.4(SPG11):c.4811dup (p.Leu1605fs)

Gene: SPG11 (SPG11 vesicle trafficking associated, spatacsin; minus strand). Cytogenetic location: 15q21.1.
Variant type: Duplication.
Coding change: c.4811dup on transcript NM_025137.4 (MANE Select); coding-DNA position 4811, one base duplicated (T; older notation c.4811dupT).
Protein change: p.Leu1605fs; shifts the reading frame from leucine 1605.
Molecular consequence: frameshift variant.
Genome position (GRCh38, 1-based): chr15:44,589,347, A duplicated on the plus strand (T on the coding strand, the reverse complement: SPG11 is on the minus strand); the first of 3 consecutive A bases (chr15:44,589,347-44,589,349); duplicating any one gives the same sequence. VCF-style (leftmost placement, unchanged base first): chr15-44589346-G-GA. GRCh37 (hg19) VCF-style: chr15-44881544-G-GA.
Other names: c.4811dup, p.Leu1605fs (NM_001160227.2); short protein forms L1605fs.
Identifiers: ClinVar variation 406518 (VCV000406518.3), dbSNP rs760618394, ClinGen allele CA7534570.

ClinVar aggregate classification (germline): Pathogenic (1 of 4 stars; one submission).

Conditions:
Hereditary spastic paraplegia 11. Also called: Spastic Paraplegia 11; Spastic paraplegia, mental retardation and thin corpus callosum; Nakamura Osame syndrome; Autosomal recessive hereditary spastic paraplegia, mental impairment, and thin corpus callosum; SPASTIC PARAPLEGIA, AUTOSOMAL RECESSIVE, COMPLICATED, WITH THIN CORPUS CALLOSUM; SPASTIC PARAPLEGIA, AUTOSOMAL RECESSIVE, WITH MENTAL IMPAIRMENT AND THIN CORPUS CALLOSUM. Identifiers: Orphanet 2822, MedGen C1858479, MONDO:0011445, OMIM 604360.

Submission:

Labcorp Genetics (formerly Invitae), Labcorp
Classification: Pathogenic for Hereditary spastic paraplegia 11. Last evaluated: 2023-11-20. Review status: criteria provided, single submitter. Criteria: Invitae Variant Classification Sherloc (09022015). Collection method: clinical testing. Allele origin: germline.
Comment: This sequence change creates a premature translational stop signal (p.Leu1605Profs*10) in the SPG11 gene. It is expected to result in an absent or disrupted protein product. Loss-of-function variants in SPG11 are known to be pathogenic (PMID: 19105190, 20110243, 22154821, 26556829). This variant is present in population databases (rs760618394, gnomAD 0.004%). This premature translational stop signal has been observed in individual(s) with hereditary spastic paraplegia (PMID: 23443022). It has also been observed to segregate with disease in related individuals. ClinVar contains an entry for this variant (Variation ID: 406518). For these reasons, this variant has been classified as Pathogenic.

Literature cited by the submitters: PubMed 19105190; PubMed 20110243; PubMed 22154821; PubMed 26556829; PubMed 23443022.